The following is an entry in ClinVar:

ClinVar aggregate classification (germline): Pathogenic (1 of 4 stars; one submission).

Conditions:
X-linked Alport syndrome (ATS1). Also called: NEPHROPATHY AND DEAFNESS, X-LINKED; COL4A5-Related Nephropathy. Identifiers: Orphanet 63, Orphanet 88917, MedGen C4746986, MONDO:0010520, OMIM 301050.

Submission:

Victorian Clinical Genetics Services, Murdoch Childrens Research Institute
Classification: Pathogenic for X-linked Alport syndrome. Last evaluated: 2020-06-11. Review status: criteria provided, single submitter. Criteria: ACMG Guidelines, 2015. Collection method: clinical testing. Allele origin: germline. Inheritance: X-linked inheritance. Affected: yes.
Comment: Based on the classification scheme VCGS_Germline_v1.1.1, this variant is classified as 5-Pathogenic. Following criteria are met: 0102 - Loss-of-function is a known mechanism of disease for this gene (PMID: 30128941). (N) 0104 - Dominant Negative is a mechanism of disease for this gene where glycine residues of the Gly-X-Y repeat within a collagen triple helical domain are impacted (PMID: 12028435). (N) 0110 - This gene is known to be associated with X-linked dominant disease (OMIM). (N) 0200 - Variant is predicted to result in a missense amino acid change from glycine to aspartic acid (exon 41). (N) 0253 - Variant is hemizygous. (N) 0301 - Variant is absent from gnomAD. (P) 0501 - Missense variant consistently predicted to be damaging by multiple in-silico tools and highly conserved. (P) 0601 - Variant affects at least one well-established (essential) functional domain or motif (Collagen triple helix domain; Uniprot). (P) 0705 - No comparable variants have previous evidence for pathogenicity. (N) 0803 - Low previous evidence of pathogenicity in unrelated individuals. The variant has been reported once in an individual diagnosed with X-linked Alport Syndrome (PMID: 22921432). (P) 0905 - No segregation evidence has been identified for this variant. (N) 1007 - No published functional evidence has been identified for this variant. (N) 1102 - Strong phenotype match. (N) Legend: (P) - Pathogenic, (N) - Neutral, (B) - Benign

Literature cited by the submitters: PubMed 12028435; PubMed 22921432; PubMed 30128941.

NM_033380.3(COL4A5):c.3650G>A (p.Gly1217Asp)

Gene: COL4A5 (collagen type IV alpha 5 chain; plus strand). Cytogenetic location: Xq22.3.
Variant type: single nucleotide variant.
Coding change: c.3650G>A on transcript NM_033380.3 (MANE Select); coding-DNA position 3650, G replaced by A.
Protein change: p.Gly1217Asp; replaces glycine 1217 with aspartic acid.
Molecular consequence: missense variant.
Genome position (GRCh38, 1-based): chrX:108,668,364, G>A. VCF-style: chrX-108668364-G-A. GRCh37 (hg19) VCF-style: chrX-107911594-G-A.
Other names: c.3650G>A, p.Gly1217Asp (NM_000495.5); short protein forms G1217D.
Identifiers: ClinVar variation 1805498 (VCV001805498.2), dbSNP rs1569505758, ClinGen allele CA413848506.
Genomic context (GRCh38, chrX:108,668,364, plus strand): 5'-ACTTTACTTTCATAGGCCAAAAGGGTGATGGAGGATTACCTGGGATTCCAGGAAATCCTG[G>A]CCTTCCAGGTCCAAAGGGCGAACCAGGCTTTCACGGTTTCCCTGGTGTGCAGGGTCCCCC-3'
Protein context (NP_203699.1, residues 1207-1227): GGLPGIPGNP[Gly1217Asp]LPGPKGEPGF